The following is an entry in ClinVar:

ClinVar aggregate classification (germline): Uncertain significance (1 of 4 stars; one submission).

Conditions:
Cardiovascular phenotype. Identifiers: MedGen CN230736.

gnomAD v4.1: 1 of 1,548,692 alleles (0.000065%); highest among the groups gnomAD compares: Non-Finnish European, 0.000087%; no homozygotes.

Submission:

Ambry Genetics
Classification: Uncertain significance for Cardiovascular phenotype. Last evaluated: 2026-08-10. Review status: criteria provided, single submitter. Criteria: Ambry Variant Classification Scheme 2023. Collection method: clinical testing. Allele origin: germline.
Comment: The p.A185P variant (also known as c.553G>C), located in coding exon 1 of the FKRP gene, results from a G to C substitution at nucleotide position 553. The alanine at codon 185 is replaced by proline, an amino acid with highly similar properties. This amino acid position is conserved. In addition, the in silico prediction for this alteration is inconclusive. Based on the available evidence, the clinical significance of this variant remains unclear.

NM_024301.5(FKRP):c.553G>C (p.Ala185Pro)

Gene: FKRP (fukutin related protein; plus strand). Cytogenetic location: 19q13.32.
Variant type: single nucleotide variant.
Coding change: c.553G>C on transcript NM_024301.5 (MANE Select); coding-DNA position 553, G replaced by C.
Protein change: p.Ala185Pro; replaces alanine 185 with proline.
Molecular consequence: missense variant.
Genome position (GRCh38, 1-based): chr19:46,756,003, G>C. VCF-style: chr19-46756003-G-C. GRCh37 (hg19) VCF-style: chr19-47259260-G-C.
Other names: c.553G>C, p.Ala185Pro (NM_001039885.3); short protein forms A185P.
Identifiers: ClinVar variation 5021807 (VCV005021807.1).
Genomic context (GRCh38, chr19:46,756,003, plus strand): 5'-CCTGCCAGGTGCCTGGCCCTGAACGTCAGCCTGCGAGAGTGGACCGCCCGCTATGGCGCA[G>C]CCCCCGCCGCGCCCCGCTGCGACGCCCTGGACGGAGATGCTGTGGTGCTCCTGCGCGCCC-3'
Protein context (NP_077277.1, residues 175-195): LREWTARYGA[Ala185Pro]PAAPRCDALD